The following is an entry in ClinVar:

NM_016151.4(TAOK2):c.2330C>T (p.Ser777Leu)

Gene: TAOK2 (TAO kinase 2; plus strand). Cytogenetic location: 16p11.2.
Variant type: single nucleotide variant.
Coding change: c.2330C>T on transcript NM_016151.4 (MANE Select); coding-DNA position 2330, C replaced by T.
Protein change: p.Ser777Leu; replaces serine 777 with leucine.
Molecular consequence: missense variant. On other transcripts: intron variant (2).
Genome position (GRCh38, 1-based): chr16:29,986,602, C>T. VCF-style: chr16-29986602-C-T. GRCh37 (hg19) VCF-style: chr16-29997923-C-T.
Other names: c.2232+98C>T (NM_004783.4, NM_001252043.2); short protein forms S777L.
Identifiers: ClinVar variation 2796205 (VCV002796205.3), dbSNP rs754333462, ClinGen allele CA7998363.
Genomic context (GRCh38, chr16:29,986,602, plus strand): 5'-CCATTCCTGGGGCTCTGGGCCCACCCAACACAGGCACCCCTATAGAACAGCAGCCCTGCT[C>T]ACCTGGCCAGGAGGCAGTCCTGGACCAAAGAATGCTTGGCGAGGAGGAGGAAGCAGTTGG-3'
Protein context (NP_057235.2, residues 767-787): TGTPIEQQPC[Ser777Leu]PGQEAVLDQR

ClinVar aggregate classification (germline): Uncertain significance (1 of 4 stars; one submission).

Allele frequency attached by ClinVar (database versions not stated): gnomAD exomes below 0.00001; TOPMed below 0.00001; ExAC 0.00001.
gnomAD v4.1: 4 of 1,613,314 alleles (0.00025%); highest among the groups gnomAD compares: East Asian, 0.0022%; no homozygotes.

Submission:

Labcorp Genetics (formerly Invitae), Labcorp
Classification: Uncertain significance. Last evaluated: 2023-09-08. Review status: criteria provided, single submitter. Criteria: Invitae Variant Classification Sherloc (09022015). Collection method: clinical testing. Allele origin: germline.
Comment: This variant is present in population databases (rs754333462, gnomAD 0.006%). This sequence change replaces serine, which is neutral and polar, with leucine, which is neutral and non-polar, at codon 777 of the TAOK2 protein (p.Ser777Leu). This variant has not been reported in the literature in individuals affected with TAOK2-related conditions. In summary, the available evidence is currently insufficient to determine the role of this variant in disease. Therefore, it has been classified as a Variant of Uncertain Significance. Algorithms developed to predict the effect of missense changes on protein structure and function output the following: SIFT: "Not Available"; PolyPhen-2: "Benign"; Align-GVGD: "Not Available". The leucine amino acid residue is found in multiple mammalian species, which suggests that this missense change does not adversely affect protein function.